The following is an entry in ClinVar:

NM_152296.5(ATP1A3):c.607-7C>A

Gene: ATP1A3 (ATPase Na+/K+ transporting subunit alpha 3; minus strand). Cytogenetic location: 19q13.2.
Variant type: single nucleotide variant.
Coding change: c.607-7C>A on transcript NM_152296.5 (MANE Select); 7 bases into the intron before coding-DNA position 607, C replaced by A.
Molecular consequence: intron variant.
Genome position (GRCh38, 1-based): chr19:41,985,430, G>T on the plus strand (C>A on the coding strand, the complement: ATP1A3 is on the minus strand). VCF-style: chr19-41985430-G-T. GRCh37 (hg19) VCF-style: chr19-42489582-G-T.
Other names: c.646-7C>A (NM_001256214.2, NM_001256214.1); c.640-7C>A (NM_001256213.2).
Identifiers: ClinVar variation 329425 (VCV000329425.14), dbSNP rs782819736, ClinGen allele CA9467826.

ClinVar aggregate classification (germline): Conflicting classifications of pathogenicity. Review status: criteria provided, conflicting classifications (1 of 4 stars). 4 submissions from 3 submitters: Uncertain significance (2); Likely benign (2). Last evaluated 2026-05-26.

Conditions:
Dystonia 12 (DYT12). Also called: Rapid-Onset Dystonia-Parkinsonism (RDP); DYT-ATP1A3. Identifiers: Orphanet 71517, MedGen C1868681, MONDO:0007496, OMIM 128235.
ATP1A3-related disorder. Also called: ATP1A3-related disorders; ATP1A3-related condition. Identifiers: MedGen CN381097.
Alternating hemiplegia of childhood 2 (AHC2). Also called: Alternating Hemiplegia of Childhood (AHC). Identifiers: Orphanet 2131, MedGen C3553788, MONDO:0013900, OMIM 614820.

Allele frequency attached by ClinVar (database versions not stated): ExAC 0.00001; gnomAD exomes 0.00001 and 0.00002; gnomAD 0.00008 and 0.00009; TOPMed 0.00014.
gnomAD v4.1: 49 of 1,612,620 alleles (0.003%); highest among the groups gnomAD compares: Admixed American, 0.027%; no homozygotes.

Submissions (4):

PreventionGenetics, part of Exact Sciences
Classification: Likely benign for ATP1A3-related condition. Last evaluated: 2026-05-26. Review status: criteria provided, single submitter. Criteria: ACMG Guidelines, 2015. Collection method: clinical testing. Allele origin: germline.
Comment: This variant is classified as likely benign based on ACMG/AMP sequence variant interpretation guidelines (Richards et al. 2015 PMID: 25741868, with internal and published modifications).

Labcorp Genetics (formerly Invitae), Labcorp
Classification: Likely benign for Dystonia 12. Last evaluated: 2025-11-25. Review status: criteria provided, single submitter. Criteria: Invitae Variant Classification Sherloc (09022015). Collection method: clinical testing. Allele origin: germline.

Illumina Laboratory Services, Illumina
Classification: Uncertain significance for Alternating hemiplegia of childhood 2. Last evaluated: 2018-01-13. Review status: criteria provided, single submitter. Criteria: ICSL Variant Classification Criteria 13 December 2019. Collection method: clinical testing. Allele origin: germline.

Illumina Laboratory Services, Illumina
Classification: Uncertain significance for Dystonia 12. Last evaluated: 2018-01-13. Review status: criteria provided, single submitter. Criteria: ICSL Variant Classification Criteria 13 December 2019. Collection method: clinical testing. Allele origin: germline.